The following is an entry in ClinVar:

NM_000179.3(MSH6):c.1864A>C (p.Ile622Leu)

Gene: MSH6 (mutS homolog 6; plus strand). Cytogenetic location: 2p16.3.
Variant type: single nucleotide variant.
Coding change: c.1864A>C on transcript NM_000179.3 (MANE Select); coding-DNA position 1864, A replaced by C.
Protein change: p.Ile622Leu; replaces isoleucine 622 with leucine.
Molecular consequence: missense variant.
Genome position (GRCh38, 1-based): chr2:47,799,847, A>C. VCF-style: chr2-47799847-A-C. GRCh37 (hg19) VCF-style: chr2-48026986-A-C.
Other names: c.1474A>C, p.Ile492Leu (NM_001281492.2); c.958A>C, p.Ile320Leu (NM_001281493.2, NM_001281494.2); short protein forms I622L, I320L, I492L.
Identifiers: ClinVar variation 134849 (VCV000134849.24), dbSNP rs587778529, ClinGen allele CA009337.

ClinVar aggregate classification (germline): Conflicting classifications of pathogenicity. Review status: criteria provided, conflicting classifications (1 of 4 stars). 7 submissions from 7 submitters: Uncertain significance (5); Benign (1). 1 of the submissions does not count toward it. Last evaluated 2025-10-26.

Conditions:
Hereditary nonpolyposis colorectal neoplasms. Identifiers: MedGen C0009405, MeSH D003123.
Hereditary cancer-predisposing syndrome. Also called: Tumor predisposition; Hereditary neoplastic syndrome; Neoplastic Syndromes, Hereditary; Hereditary Cancer Syndrome. Identifiers: Orphanet 140162, MedGen C0027672, MeSH D009386, MONDO:0015356.
Lynch syndrome. Identifiers: Orphanet 144, MedGen C4552100, MONDO:0005835. Disease mechanism: loss of function.
Endometrial carcinoma. Also called: Endometrial carcinoma, somatic. Identifiers: MedGen C0476089, MONDO:0002447, OMIM 608089, HP:0012114.

Allele frequency attached by ClinVar (database versions not stated): TOPMed below 0.00001; gnomAD 0.00001; gnomAD exomes 0.00001.
gnomAD v4.1: 9 of 1,614,102 alleles (0.00056%); highest among the groups gnomAD compares: Non-Finnish European, 0.00076%; no homozygotes.

Submissions (7):

Labcorp Genetics (formerly Invitae), Labcorp
Classification: Benign for Hereditary nonpolyposis colorectal neoplasms. Last evaluated: 2025-10-26. Review status: criteria provided, single submitter. Criteria: Invitae Variant Classification Sherloc (09022015). Collection method: clinical testing. Allele origin: germline.

Ambry Genetics
Classification: Uncertain significance for Hereditary cancer-predisposing syndrome. Last evaluated: 2025-10-22. Review status: criteria provided, single submitter. Criteria: Ambry Variant Classification Scheme 2023. Collection method: clinical testing. Allele origin: germline.
Comment: The p.I622L variant (also known as c.1864A>C), located in coding exon 4 of the MSH6 gene, results from an A to C substitution at nucleotide position 1864. The isoleucine at codon 622 is replaced by leucine, an amino acid with highly similar properties. This variant was identified in a cohort of 681 ancestrally diverse, healthy subjects (Bodian DL et al. PLoS ONE, 2014 Apr;9:e94554). This amino acid position is poorly conserved in available vertebrate species. In addition, this alteration is predicted to be tolerated by in silico analysis. Since supporting evidence is limited at this time, the clinical significance of this alteration remains unclear.

Baylor Genetics
Classification: Uncertain significance for Endometrial carcinoma. Last evaluated: 2024-02-19. Review status: criteria provided, single submitter. Criteria: ACMG Guidelines, 2015. Collection method: clinical testing. Allele origin: unknown.

Institute for Biomarker Research, Medical Diagnostic Laboratories, L.L.C.
Classification: Uncertain significance for Hereditary cancer-predisposing syndrome. Last evaluated: 2023-10-31. Review status: criteria provided, single submitter. Criteria: ACMG Guidelines, 2015. Collection method: clinical testing. Allele origin: germline.

All of Us Research Program, National Institutes of Health
Classification: Uncertain significance for Lynch syndrome. Last evaluated: 2023-10-27. Review status: criteria provided, single submitter. Criteria: ACMG Guidelines, 2015. Collection method: clinical testing. Allele origin: germline. Inheritance: Autosomal dominant inheritance. Observed: 2 variant alleles, 2 heterozygotes.
Comment: This missense variant replaces isoleucine with leucine at codon 622 of the MSH6 protein. Computational prediction suggests that this variant may not impact protein structure and function (internally defined REVEL score threshold <= 0.5, PMID: 27666373). To our knowledge, functional studies have not been reported for this variant. This variant has been reported in an individual affected with Lynch syndrome but co-occurring with a likely pathogenic MLH1 variant (Universal Mutation Database). This variant has not been identified in the general population by the Genome Aggregation Database (gnomAD). The available evidence is insufficient to determine the role of this variant in disease conclusively. Therefore, this variant is classified as a Variant of Uncertain Significance.

This study involves interpretation of variants in research participants for the purpose of population health screening. Participant phenotype was not available at the time of variant classification. Additional details can be found in publication PMID: 35346344, PMCID: PMC8962531

Color Diagnostics, LLC DBA Color Health
Classification: Uncertain significance for Hereditary cancer-predisposing syndrome. Last evaluated: 2023-04-06. Review status: criteria provided, single submitter. Criteria: ACMG Guidelines, 2015. Collection method: clinical testing. Allele origin: germline.
Comment: This missense variant replaces isoleucine with leucine at codon 622 of the MSH6 protein. Computational prediction suggests that this variant may not impact protein structure and function (internally defined REVEL score threshold <= 0.5, PMID: 27666373). To our knowledge, functional studies have not been reported for this variant. This variant has not been reported in individuals affected with MSH6-related disorders in the literature. This variant has not been identified in the general population by the Genome Aggregation Database (gnomAD). The available evidence is insufficient to determine the role of this variant in disease conclusively. Therefore, this variant is classified as a Variant of Uncertain Significance.

ITMI
No classification provided. Condition: AllHighlyPenetrant. Last evaluated: 2013-09-19. Review status: no classification provided. Collection method: reference population. Allele origin: germline. Not counted in ClinVar's aggregate classification.
Comment: Please see associated publication for description of ethnicities

Literature cited by the submitters: PubMed 24728327 (cited by Ambry Genetics and ITMI).